The following is an entry in ClinVar:

NM_002755.4(MAP2K1):c.173A>G (p.Gln58Arg)

Gene: MAP2K1 (mitogen-activated protein kinase kinase 1; plus strand). Cytogenetic location: 15q22.31.
Variant type: single nucleotide variant.
Coding change: c.173A>G on transcript NM_002755.4 (MANE Select); coding-DNA position 173, A replaced by G.
Protein change: p.Gln58Arg; replaces glutamine 58 with arginine.
Molecular consequence: missense variant.
Genome position (GRCh38, 1-based): chr15:66,435,119, A>G. VCF-style: chr15-66435119-A-G. GRCh37 (hg19) VCF-style: chr15-66727457-A-G.
Other names: c.107A>G, p.Gln36Arg (NM_001411065.1); short protein forms Q36R, Q58R.
Identifiers: ClinVar variation 2880468 (VCV002880468.3), dbSNP rs2140579011, ClinGen allele CA392929253.
Genomic context (GRCh38, chr15:66,435,119, plus strand): 5'-AGGAGCTAGAGCTTGATGAGCAGCAGCGAAAGCGCCTTGAGGCCTTTCTTACCCAGAAGC[A>G]GAAGGTGGGAGAACTGAAGGATGACGACTTTGAGAAGATCAGTGAGCTGGGGGCTGGCAA-3'
Protein context (NP_002746.1, residues 48-68): KRLEAFLTQK[Gln58Arg]KVGELKDDDF

ClinVar aggregate classification (germline): Uncertain significance (1 of 4 stars; one submission).

Conditions:
RASopathy. Also called: Noonan spectrum disorder; rasopathies. Identifiers: Orphanet 536391, MedGen C5555857, MONDO:0021060.

Allele frequency attached by ClinVar (database versions not stated): gnomAD exomes below 0.00001.
gnomAD v4.1: 1 of 1,614,136 alleles (0.000062%); highest among the groups gnomAD compares: Non-Finnish European, 0.000085%; no homozygotes.

Submission:

Labcorp Genetics (formerly Invitae), Labcorp
Classification: Uncertain significance for RASopathy. Last evaluated: 2023-07-31. Review status: criteria provided, single submitter. Criteria: Invitae Variant Classification Sherloc (09022015). Collection method: clinical testing. Allele origin: germline.
Comment: In summary, the available evidence is currently insufficient to determine the role of this variant in disease. Therefore, it has been classified as a Variant of Uncertain Significance. Advanced modeling of protein sequence and biophysical properties (such as structural, functional, and spatial information, amino acid conservation, physicochemical variation, residue mobility, and thermodynamic stability) performed at Invitae indicates that this missense variant is not expected to disrupt MAP2K1 protein function. This variant has not been reported in the literature in individuals affected with MAP2K1-related conditions. This variant is not present in population databases (gnomAD no frequency). This sequence change replaces glutamine, which is neutral and polar, with arginine, which is basic and polar, at codon 58 of the MAP2K1 protein (p.Gln58Arg).